The following is an entry in ClinVar:

ClinVar aggregate classification (germline): Conflicting classifications of pathogenicity. Review status: criteria provided, conflicting classifications (1 of 4 stars). 5 submissions from 5 submitters: Pathogenic (2); Likely pathogenic (2); Uncertain significance (1). Last evaluated 2024-10-26.

Conditions:
Early-infantile DEE. Also called: Early infantile epileptic encephalopathy with suppression bursts; Early infantile epileptic encephalopathy; Ohtahara syndrome. Identifiers: Orphanet 1934, MedGen C0393706, MONDO:0800491.
Neurodevelopmental disorder. Identifiers: MedGen C1535926, MeSH D065886, MONDO:0700092.
Developmental and epileptic encephalopathy, 5 (DEE5). Identifiers: Orphanet 3451, MedGen C3150731, MONDO:0013277, OMIM 613477.

Submissions (5):

Labcorp Genetics (formerly Invitae), Labcorp
Classification: Pathogenic for Early-infantile DEE. Last evaluated: 2024-10-26. Review status: criteria provided, single submitter. Criteria: Invitae Variant Classification Sherloc (09022015). Collection method: clinical testing. Allele origin: germline.
Comment: This sequence change replaces arginine, which is basic and polar, with tryptophan, which is neutral and slightly polar, at codon 2062 of the SPTAN1 protein (p.Arg2062Trp). This variant is not present in population databases (gnomAD no frequency). This missense change has been observed in individual(s) with clinical features of SPTAN1-related conditions (PMID: 29050398; internal data). In at least one individual the variant was observed to be de novo. ClinVar contains an entry for this variant (Variation ID: 1064825). Invitae Evidence Modeling of protein sequence and biophysical properties (such as structural, functional, and spatial information, amino acid conservation, physicochemical variation, residue mobility, and thermodynamic stability) has been performed for this missense variant. However, the output from this modeling did not meet the statistical confidence thresholds required to predict the impact of this variant on SPTAN1 protein function. For these reasons, this variant has been classified as Pathogenic.

GeneDx
Classification: Pathogenic. Last evaluated: 2024-06-26. Review status: criteria provided, single submitter. Criteria: GeneDx Variant Classification Process June 2021. Collection method: clinical testing. Allele origin: germline. Affected: yes.
Comment: Not observed at significant frequency in large population cohorts (gnomAD); In silico analysis supports that this missense variant has a deleterious effect on protein structure/function; This variant is associated with the following publications: (PMID: 34590414, 34440880, 29050398)

Genome-Nilou Lab
Classification: Likely pathogenic for Developmental and epileptic encephalopathy, 5. Last evaluated: 2021-07-15. Review status: criteria provided, single submitter. Criteria: ACMG Guidelines, 2015. Collection method: clinical testing. Allele origin: germline. Affected: no.

Laboratory of Molecular Genetics (Pr. Bezieau's lab), CHU de Nantes
Classification: Uncertain significance for Neurodevelopmental disorder. Last evaluated: 2020-08-06. Review status: criteria provided, single submitter. Criteria: ACMG Guidelines, 2015. Collection method: clinical testing. Allele origin: germline. Affected: yes.

Institute of Human Genetics, University of Leipzig Medical Center
Classification: Likely pathogenic for Developmental and epileptic encephalopathy, 5. Last evaluated: 2017-09-01. Review status: criteria provided, single submitter. Criteria: ACMG Guidelines, 2015. Collection method: research. Allele origin: de novo.

Literature cited by the submitters: PubMed 29050398 (cited by Labcorp Genetics (formerly Invitae), Labcorp and Institute of Human Genetics, University of Leipzig Medical Center).

NM_001130438.3(SPTAN1):c.6184C>T (p.Arg2062Trp)

Gene: SPTAN1 (spectrin alpha, non-erythrocytic 1; plus strand). Cytogenetic location: 9q34.11.
Variant type: single nucleotide variant.
Coding change: c.6184C>T on transcript NM_001130438.3 (MANE Select); coding-DNA position 6184, C replaced by T.
Protein change: p.Arg2062Trp; replaces arginine 2062 with tryptophan.
Molecular consequence: missense variant.
Genome position (GRCh38, 1-based): chr9:128,625,883, C>T. VCF-style: chr9-128625883-C-T. GRCh37 (hg19) VCF-style: chr9-131388162-C-T.
Other names: c.6184C>T (NM_001130438.2); c.6109C>T, p.Arg2037Trp (NM_001195532.2); c.6184C>T, p.Arg2062Trp (NM_001363759.2, NM_001375310.1, NM_001375311.2 and 1 more transcripts); c.6124C>T, p.Arg2042Trp (NM_001363765.2, NM_001375314.2); c.6220C>T, p.Arg2074Trp (NM_001375312.2, NM_001375318.1); c.6169C>T, p.Arg2057Trp (NM_003127.4); short protein forms R2037W, R2042W, R2057W, R2062W, R2074W.
Identifiers: ClinVar variation 1064825 (VCV001064825.12), dbSNP rs2131953982, ClinGen allele CA375086873.